The following is an entry in ClinVar:

NM_005334.3(HCFC1):c.5477C>T (p.Thr1826Ile)

Gene: HCFC1 (host cell factor C1; minus strand). Cytogenetic location: Xq28.
Variant type: single nucleotide variant.
Coding change: c.5477C>T on transcript NM_005334.3 (MANE Select); coding-DNA position 5477, C replaced by T.
Protein change: p.Thr1826Ile; replaces threonine 1826 with isoleucine.
Molecular consequence: missense variant.
Genome position (GRCh38, 1-based): chrX:153,951,390, G>A on the plus strand (C>T on the coding strand, the complement: HCFC1 is on the minus strand). VCF-style: chrX-153951390-G-A. GRCh37 (hg19) VCF-style: chrX-153216841-G-A.
Other names: c.5612C>T, p.Thr1871Ile (NM_001410705.1); short protein forms T1871I, T1826I.
Identifiers: ClinVar variation 2477260 (VCV002477260.2), dbSNP rs2521462834, ClinGen allele CA415104096.

ClinVar aggregate classification (germline): Uncertain significance (1 of 4 stars; one submission).

Conditions:
Inborn genetic diseases. Identifiers: MedGen C0950123, MeSH D030342.

Submission:

Ambry Genetics
Classification: Uncertain significance for Inborn genetic diseases. Last evaluated: 2023-02-27. Review status: criteria provided, single submitter. Criteria: Ambry Variant Classification Scheme 2023. Collection method: clinical testing. Allele origin: germline.
Comment: The c.5477C>T (p.T1826I) alteration is located in exon 22 (coding exon 22) of the HCFC1 gene. This alteration results from a C to T substitution at nucleotide position 5477, causing the threonine (T) at amino acid position 1826 to be replaced by an isoleucine (I). This variant was not reported in population-based cohorts in the Genome Aggregation Database (gnomAD). This amino acid position is well conserved in available vertebrate species. This missense alteration is located in a region that has a low rate of benign missense variation (Lek, 2016; Firth, 2009). The in silico prediction for this alteration is inconclusive. Based on insufficient or conflicting evidence, the clinical significance of this alteration remains unclear.